The following is an entry in ClinVar:

NM_000083.3(CLCN1):c.1892C>T (p.Thr631Ile)

Gene: CLCN1 (chloride voltage-gated channel 1; plus strand). Cytogenetic location: 7q34.
Variant type: single nucleotide variant.
Coding change: c.1892C>T on transcript NM_000083.3 (MANE Select); coding-DNA position 1892, C replaced by T.
Protein change: p.Thr631Ile; replaces threonine 631 with isoleucine.
Molecular consequence: missense variant. On other transcripts: non-coding transcript variant (1).
Genome position (GRCh38, 1-based): chr7:143,342,467, C>T. VCF-style: chr7-143342467-C-T. GRCh37 (hg19) VCF-style: chr7-143039560-C-T.
Other names: short protein forms T631I.
Identifiers: ClinVar variation 641198 (VCV000641198.11), dbSNP rs749762818, ClinGen allele CA4537504.

ClinVar aggregate classification (germline): Conflicting classifications of pathogenicity. Review status: criteria provided, conflicting classifications (1 of 4 stars). 3 submissions from 3 submitters: Uncertain significance (2); Likely benign (1). Last evaluated 2024-10-03.

Conditions:
Batten-Turner congenital myopathy. Also called: Myotonia congenita; Congenital myotonia. Identifiers: Orphanet 206973, MedGen C0027127, MONDO:0100468, OMIM 255300.
Congenital myotonia, autosomal recessive form. Also called: BECKER DISEASE; Becker Generalized Myotonia; myotonia congenita, autosomal recessive. Identifiers: Orphanet 614, MedGen C0751360, MONDO:0009715, OMIM 255700.
Congenital myotonia, autosomal dominant form (THD). Also called: THOMSEN DISEASE; Myotonia congenita autosomal dominant. Identifiers: Orphanet 614, MedGen C2936781, MONDO:0008055, OMIM 160800.

Allele frequency attached by ClinVar (database versions not stated): gnomAD exomes 0.00001 and 0.00004; gnomAD 0.00002; TOPMed 0.00002; ExAC 0.00004.
gnomAD v4.1: 28 of 1,613,958 alleles (0.0017%); highest among the groups gnomAD compares: East Asian, 0.036%; no homozygotes.

Submissions (3):

Blueprint Genetics
Classification: Uncertain significance. Last evaluated: 2024-10-03. Review status: criteria provided, single submitter. Criteria: ACMG Guidelines, 2015. Collection method: clinical testing. Allele origin: germline.

Labcorp Genetics (formerly Invitae), Labcorp
Classification: Uncertain significance for Congenital myotonia, autosomal recessive form; Congenital myotonia, autosomal dominant form. Last evaluated: 2024-04-01. Review status: criteria provided, single submitter. Criteria: Invitae Variant Classification Sherloc (09022015). Collection method: clinical testing. Allele origin: germline.
Comment: This sequence change replaces threonine, which is neutral and polar, with isoleucine, which is neutral and non-polar, at codon 631 of the CLCN1 protein (p.Thr631Ile). This variant is present in population databases (rs749762818, gnomAD 0.04%). This missense change has been observed in individual(s) with a family affected with myotonia congenita this variant was reported in unaffected individuals and not in affected individuals, indicating that it is not the cause of disease in this family (PMID: 16629771). ClinVar contains an entry for this variant (Variation ID: 641198). Advanced modeling of protein sequence and biophysical properties (such as structural, functional, and spatial information, amino acid conservation, physicochemical variation, residue mobility, and thermodynamic stability) has been performed at Invitae for this missense variant, however the output from this modeling did not meet the statistical confidence thresholds required to predict the impact of this variant on CLCN1 protein function. Experimental studies have shown that this missense change does not substantially affect CLCN1 function (PMID: 17097617, 18035046). In summary, the available evidence is currently insufficient to determine the role of this variant in disease. Therefore, it has been classified as a Variant of Uncertain Significance.

Illumina Laboratory Services, Illumina
Classification: Likely benign for Myotonia congenita. Last evaluated: 2017-04-27. Review status: criteria provided, single submitter. Criteria: ICSL Variant Classification Criteria 13 December 2019. Collection method: clinical testing. Allele origin: germline.
Comment: This variant was observed as part of a predisposition screen in an ostensibly healthy population. A literature search was performed for the gene, cDNA change, and amino acid change (where applicable). No publications were found based on this search. Allele frequency data from public databases allowed determination this variant is unlikely to cause disease. Therefore, this variant is classified as likely benign.

Literature cited by the submitters: PubMed 16629771 (cited by Labcorp Genetics (formerly Invitae), Labcorp); PubMed 17097617 (cited by Labcorp Genetics (formerly Invitae), Labcorp); PubMed 18035046 (cited by Labcorp Genetics (formerly Invitae), Labcorp).